The following is an entry in ClinVar:

NM_173551.5(ANKS6):c.2082G>A (p.Pro694=)

Gene: ANKS6 (ankyrin repeat and sterile alpha motif domain containing 6; minus strand). Cytogenetic location: 9q22.33.
Variant type: single nucleotide variant.
Coding change: c.2082G>A on transcript NM_173551.5 (MANE Select); coding-DNA position 2082, G replaced by A.
Protein change: p.Pro694=; no amino-acid change (proline 694 retained).
Molecular consequence: synonymous variant.
Genome position (GRCh38, 1-based): chr9:98,768,141, C>T on the plus strand (G>A on the coding strand, the complement: ANKS6 is on the minus strand). VCF-style: chr9-98768141-C-T. GRCh37 (hg19) VCF-style: chr9-101530423-C-T.
Identifiers: ClinVar variation 3041703 (VCV003041703.2), dbSNP rs755118485, ClinGen allele CA466421364.

ClinVar aggregate classification (germline): Likely benign (0 of 4 stars; one submission).

Conditions:
ANKS6-related disorder. Also called: ANKS6-related condition.

Allele frequency attached by ClinVar (database versions not stated): gnomAD exomes 0.00002.
gnomAD v4.1: 26 of 1,613,624 alleles (0.0016%); highest among the groups gnomAD compares: Middle Eastern, 0.017%; no homozygotes.

Submission:

PreventionGenetics, part of Exact Sciences
Classification: Likely benign for ANKS6-related condition. Last evaluated: 2019-04-26. Review status: no assertion criteria provided. Collection method: clinical testing. Allele origin: germline.
Comment: This variant is classified as likely benign based on ACMG/AMP sequence variant interpretation guidelines (Richards et al. 2015 PMID: 25741868, with internal and published modifications).